The following is an entry in ClinVar:

NM_020937.4(FANCM):c.3049C>T (p.Leu1017Phe)

Gene: FANCM (FA complementation group M; plus strand). Cytogenetic location: 14q21.2.
Variant type: single nucleotide variant.
Coding change: c.3049C>T on transcript NM_020937.4 (MANE Select); coding-DNA position 3049, C replaced by T.
Protein change: p.Leu1017Phe; replaces leucine 1017 with phenylalanine.
Molecular consequence: missense variant.
Genome position (GRCh38, 1-based): chr14:45,175,803, C>T. VCF-style: chr14-45175803-C-T. GRCh37 (hg19) VCF-style: chr14-45645006-C-T.
Other names: c.2971C>T, p.Leu991Phe (NM_001308133.2); c.3049C>T (NM_020937.3); short protein forms L1017F, L991F.
Identifiers: ClinVar variation 1313098 (VCV001313098.6), dbSNP rs780400964, ClinGen allele CA7169453.

ClinVar aggregate classification (germline): Uncertain significance. Review status: criteria provided, multiple submitters, no conflicts (2 of 4 stars). 3 submissions from 3 submitters: Uncertain significance (3). Last evaluated 2025-01-06.

Conditions:
Fanconi anemia (FA). Also called: Fanconi's anemia. Identifiers: Orphanet 84, MedGen C0015625, MeSH D005199, MONDO:0019391.

Allele frequency attached by ClinVar (database versions not stated): ExAC 0.00001; gnomAD exomes 0.00001; TOPMed 0.00001; gnomAD 0.00002 and 0.00003.
gnomAD v4.1: 26 of 1,613,708 alleles (0.0016%); highest among the groups gnomAD compares: Non-Finnish European, 0.0021%; no homozygotes.

Submissions (3):

Quest Diagnostics Nichols Institute San Juan Capistrano
Classification: Uncertain significance. Last evaluated: 2025-01-06. Review status: criteria provided, single submitter. Criteria: Quest Diagnostics criteria. Collection method: clinical testing. Allele origin: unknown.
Comment: The FANCM c.3049C>T (p.Leu1017Phe) variant has been reported in the published literature in at least one individual with ovarian cancer (PMID: 28881617 (2017)), in individuals with breast cancer and in reportedly healthy individuals (PMID: 33471991 (2021), see also LOVD). It has also been detected in a tumor of at least one individual with colon cancer (PMID: 29338072 (2018)). The frequency of this variant in the general population (Genome Aggregation Database) is uninformative in the assessment of its pathogenicity. Analysis of this variant using bioinformatics tools for the prediction of the effect of amino acid changes on protein structure and function yielded predictions that this variant is benign. Based on the available information, we are unable to determine the clinical significance of this variant.

Labcorp Genetics (formerly Invitae), Labcorp
Classification: Uncertain significance for Fanconi anemia. Last evaluated: 2024-04-08. Review status: criteria provided, single submitter. Criteria: Invitae Variant Classification Sherloc (09022015). Collection method: clinical testing. Allele origin: germline.
Comment: This sequence change replaces leucine, which is neutral and non-polar, with phenylalanine, which is neutral and non-polar, at codon 1017 of the FANCM protein (p.Leu1017Phe). This variant is present in population databases (rs780400964, gnomAD 0.002%). This variant has not been reported in the literature in individuals affected with FANCM-related conditions. ClinVar contains an entry for this variant (Variation ID: 1313098). Algorithms developed to predict the effect of missense changes on protein structure and function output the following: SIFT: "Not Available"; PolyPhen-2: "Benign"; Align-GVGD: "Not Available". The phenylalanine amino acid residue is found in multiple mammalian species, which suggests that this missense change does not adversely affect protein function. In summary, the available evidence is currently insufficient to determine the role of this variant in disease. Therefore, it has been classified as a Variant of Uncertain Significance.

GeneDx
Classification: Uncertain significance. Last evaluated: 2020-07-10. Review status: criteria provided, single submitter. Criteria: GeneDx Variant Classification Process June 2021. Collection method: clinical testing. Allele origin: germline. Affected: yes.
Comment: Not observed at a significant frequency in large population cohorts (Lek 2016); In silico analysis supports that this missense variant does not alter protein structure/function; Observed in an individual with ovarian cancer (Dicks 2017); This variant is associated with the following publications: (PMID: 28881617)

Literature cited by the submitters: PubMed 33471991 (cited by Quest Diagnostics Nichols Institute San Juan Capistrano); PubMed 28881617 (cited by Quest Diagnostics Nichols Institute San Juan Capistrano); PubMed 29338072 (cited by Quest Diagnostics Nichols Institute San Juan Capistrano); PubMed 37349538 (cited by Quest Diagnostics Nichols Institute San Juan Capistrano).